The following is an entry in ClinVar:

ClinVar aggregate classification (germline): Uncertain significance (1 of 4 stars; one submission).

Conditions:
Dilated cardiomyopathy 1W (CMD1W). Identifiers: Orphanet 154, MedGen C1969639, MONDO:0012667, OMIM 611407.

Allele frequency attached by ClinVar (database versions not stated): gnomAD exomes below 0.00001.

Submission:

Labcorp Genetics (formerly Invitae), Labcorp
Classification: Uncertain significance for Dilated cardiomyopathy 1W. Last evaluated: 2023-09-08. Review status: criteria provided, single submitter. Criteria: Invitae Variant Classification Sherloc (09022015). Collection method: clinical testing. Allele origin: germline.
Comment: In summary, the available evidence is currently insufficient to determine the role of this variant in disease. Therefore, it has been classified as a Variant of Uncertain Significance. An algorithm developed to predict the effect of missense changes on protein structure and function (PolyPhen-2) suggests that this variant is likely to be disruptive. This variant has not been reported in the literature in individuals affected with VCL-related conditions. This variant is not present in population databases (gnomAD no frequency). This sequence change replaces methionine, which is neutral and non-polar, with threonine, which is neutral and polar, at codon 154 of the VCL protein (p.Met154Thr).

NM_014000.3(VCL):c.461T>C (p.Met154Thr)

Gene: VCL (vinculin; plus strand). Cytogenetic location: 10q22.2.
Variant type: single nucleotide variant.
Coding change: c.461T>C on transcript NM_014000.3 (MANE Select); coding-DNA position 461, T replaced by C.
Protein change: p.Met154Thr; replaces methionine 154 with threonine.
Molecular consequence: missense variant.
Genome position (GRCh38, 1-based): chr10:74,071,045, T>C. VCF-style: chr10-74071045-T-C. GRCh37 (hg19) VCF-style: chr10-75830803-T-C.
Other names: c.461T>C, p.Met154Thr (NM_003373.4); short protein forms M154T.
Identifiers: ClinVar variation 2913496 (VCV002913496.3), dbSNP rs2549212328, ClinGen allele CA377266636.